The following is an entry in ClinVar:

ClinVar aggregate classification (germline): Benign. Review status: criteria provided, multiple submitters, no conflicts (2 of 4 stars). 4 submissions from 2 submitters: Benign (4). Last evaluated 2018-01-12.

Conditions:
Familial multiple trichoepitheliomata. Also called: Familial multiple trichoepithelioma. Identifiers: Orphanet 79493, Orphanet 867, MedGen C1275122, MONDO:0011114.
Brooke-Spiegler syndrome. Also called: CYLD Cutaneous Syndrome. Identifiers: Orphanet 79493, MedGen C1857941, MONDO:0011512, OMIM 605041.
Familial cylindromatosis. Also called: ANCELL-SPIEGLER CYLINDROMAS; Turban tumor syndrome. Identifiers: Orphanet 211, Orphanet 79493, MedGen C1851526, MONDO:0007565, OMIM 132700.

Allele frequency attached by ClinVar (database versions not stated): 1000 Genomes Project 30x 0.00156; 1000 Genomes Project 0.00160; gnomAD 0.00663 and 0.00707; TOPMed 0.00671; gnomAD exomes 0.00823.
gnomAD v4.1: 6,931 of 873,226 alleles (0.79%); highest among the groups gnomAD compares: Non-Finnish European, 1%; 33 homozygotes.

Submissions (4):

Illumina Laboratory Services, Illumina
Classification: Benign for Brooke-Spiegler syndrome. Last evaluated: 2018-01-12. Review status: criteria provided, single submitter. Criteria: ICSL Variant Classification Criteria 13 December 2019. Collection method: clinical testing. Allele origin: germline.
Comment: This variant was observed in the ICSL laboratory as part of a predisposition screen in an ostensibly healthy population. It had not been previously curated by ICSL or reported in the Human Gene Mutation Database (HGMD: prior to June 1st, 2018), and was therefore a candidate for classification through an automated scoring system. Utilizing variant allele frequency, disease prevalence and penetrance estimates, and inheritance mode, an automated score was calculated to assess if this variant is too frequent to cause the disease. Based on the score and internal cut-off values, a variant classified as benign is not then subjected to further curation. The score for this variant resulted in a classification of benign for this disease.

Illumina Laboratory Services, Illumina
Classification: Benign for Trichoepithelioma, multiple familial, 1. Last evaluated: 2018-01-12. Review status: criteria provided, single submitter. Criteria: ICSL Variant Classification Criteria 13 December 2019. Collection method: clinical testing. Allele origin: germline.
Comment: the same text as in the submission from Illumina Laboratory Services, Illumina above.

Illumina Laboratory Services, Illumina
Classification: Benign for Familial cylindromatosis. Last evaluated: 2018-01-12. Review status: criteria provided, single submitter. Criteria: ICSL Variant Classification Criteria 13 December 2019. Collection method: clinical testing. Allele origin: germline.
Comment: the same text as in the submission from Illumina Laboratory Services, Illumina above.

Breakthrough Genomics
Classification: Benign. Review status: criteria provided, single submitter. Criteria: ACMG Guidelines, 2015. Collection method: not provided. Allele origin: germline. Inheritance: Autosomal dominant inheritance. Affected: yes.

NM_001378743.1(CYLD):c.*139G>A

Genes: CYLD (CYLD lysine 63 deubiquitinase; plus strand), CYLD-AS2 (CYLD antisense RNA 2; minus strand). Cytogenetic location: 16q12.1.
Variant type: single nucleotide variant.
Coding change: c.*139G>A on transcript NM_001378743.1 (MANE Select); 139 bases downstream of the stop codon, G replaced by A.
Molecular consequence: 3 prime UTR variant. On other transcripts: non-coding transcript variant (1).
Genome position (GRCh38, 1-based): chr16:50,796,647, G>A. VCF-style: chr16-50796647-G-A. GRCh37 (hg19) VCF-style: chr16-50830558-G-A.
Other names: c.*139G>A (NM_001042355.2, NM_001042412.3, NM_001378744.1 and 12 more transcripts).
Identifiers: ClinVar variation 884716 (VCV000884716.5), dbSNP rs148107725, ClinGen allele CA281280253.